The following is an entry in ClinVar:

ClinVar aggregate classification (germline): Uncertain significance (1 of 4 stars; one submission).

Submission:

GeneDx
Classification: Uncertain significance. Last evaluated: 2026-04-01. Review status: criteria provided, single submitter. Criteria: GeneDx Variant Classification Process June 2021. Collection method: clinical testing. Allele origin: germline.
Comment: Not observed at significant frequency in large population cohorts (gnomAD); In silico analysis suggests that this missense variant does not alter protein structure/function; Has not been previously published as pathogenic or benign to our knowledge

NM_003106.4(SOX2):c.749C>G (p.Ser250Cys)

Genes: SOX2 (SRY-box transcription factor 2; plus strand), SOX2-OT (SOX2 overlapping transcript; plus strand). Cytogenetic location: 3q26.33.
Variant type: single nucleotide variant.
Coding change: c.749C>G on transcript NM_003106.4 (MANE Select); coding-DNA position 749, C replaced by G.
Protein change: p.Ser250Cys; replaces serine 250 with cysteine.
Molecular consequence: missense variant.
Genome position (GRCh38, 1-based): chr3:181,713,109, C>G. VCF-style: chr3-181713109-C-G. GRCh37 (hg19) VCF-style: chr3-181430897-C-G.
Other names: short protein forms S250C.
Identifiers: ClinVar variation 3342485 (VCV003342485.2).
Genomic context (GRCh38, chr3:181,713,109, plus strand): 5'-AGGGCACCCCTGGCATGGCTCTTGGCTCCATGGGTTCGGTGGTCAAGTCCGAGGCCAGCT[C>G]CAGCCCCCCTGTGGTTACCTCTTCCTCCCACTCCAGGGCGCCCTGCCAGGCCGGGGACCT-3'
Protein context (NP_003097.1, residues 240-260): MGSVVKSEAS[Ser250Cys]SPPVVTSSSH